The following is an entry in ClinVar:

NM_033409.4(SLC52A3):c.1374G>T (p.Ser458=)

Gene: SLC52A3 (solute carrier family 52 member 3; minus strand). Cytogenetic location: 20p13.
Variant type: single nucleotide variant.
Coding change: c.1374G>T on transcript NM_033409.4 (MANE Select); coding-DNA position 1374, G replaced by T.
Protein change: p.Ser458=; no amino-acid change (serine 458 retained).
Molecular consequence: synonymous variant.
Genome position (GRCh38, 1-based): chr20:761,062, C>A on the plus strand (G>T on the coding strand, the complement: SLC52A3 is on the minus strand). VCF-style: chr20-761062-C-A. GRCh37 (hg19) VCF-style: chr20-741706-C-A.
Other names: c.1374G>T, p.Ser458= (NM_001370085.1, NM_001370086.1).
Identifiers: ClinVar variation 476603 (VCV000476603.30), dbSNP rs758484328, ClinGen allele CA9724508.

ClinVar aggregate classification (germline): Likely benign. Review status: criteria provided, multiple submitters, no conflicts (2 of 4 stars). 4 submissions from 4 submitters: Likely benign (4). Last evaluated 2025-11-25.

Conditions:
Inborn genetic diseases. Identifiers: MedGen C0950123, MeSH D030342.
Brown-Vialetto-van Laere syndrome 1. Also called: BROWN-VIALETTO-VAN LAERE SYNDROME 1, MILD; BULBAR PALSY, PROGRESSIVE, WITH SENSORINEURAL DEAFNESS; PONTOBULBAR PALSY WITH DEAFNESS. Identifiers: Orphanet 572550, Orphanet 97229, MedGen C0796274, MONDO:0024537, OMIM 211530.

Allele frequency attached by ClinVar (database versions not stated): TOPMed 0.00009.
gnomAD v4.1: 117 of 1,609,576 alleles (0.0073%); highest among the groups gnomAD compares: Middle Eastern, 0.066%; 1 homozygote.

Submissions (4):

Labcorp Genetics (formerly Invitae), Labcorp
Classification: Likely benign for Brown-Vialetto-van Laere syndrome 1. Last evaluated: 2025-11-25. Review status: criteria provided, single submitter. Criteria: Invitae Variant Classification Sherloc (09022015). Collection method: clinical testing. Allele origin: germline.

Blueprint Genetics
Classification: Likely benign. Last evaluated: 2024-11-05. Review status: criteria provided, single submitter. Criteria: ACMG Guidelines, 2015. Collection method: clinical testing. Allele origin: germline.

CeGaT Center for Human Genetics Tuebingen
Classification: Likely benign. Last evaluated: 2024-07-01. Review status: criteria provided, single submitter. Criteria: CeGaT Center For Human Genetics Tuebingen Variant Classification Criteria Version 2. Collection method: clinical testing. Allele origin: germline. Affected: yes. Observed: 1 variant allele.
Comment: SLC52A3: BP4, BP7

Ambry Genetics
Classification: Likely benign for Inborn genetic diseases. Last evaluated: 2019-07-11. Review status: criteria provided, single submitter. Criteria: Ambry Variant Classification Scheme 2023. Collection method: clinical testing. Allele origin: germline.